The following is an entry in ClinVar:

NM_001382430.1(AKT1):c.16A>C (p.Ile6Leu)

Gene: AKT1 (AKT serine/threonine kinase 1; minus strand). Cytogenetic location: 14q32.33.
Variant type: single nucleotide variant.
Coding change: c.16A>C on transcript NM_001382430.1 (MANE Select); coding-DNA position 16, A replaced by C.
Protein change: p.Ile6Leu; replaces isoleucine 6 with leucine.
Molecular consequence: missense variant.
Genome position (GRCh38, 1-based): chr14:104,792,628, T>G on the plus strand (A>C on the coding strand, the complement: AKT1 is on the minus strand). VCF-style: chr14-104792628-T-G. GRCh37 (hg19) VCF-style: chr14-105258965-T-G.
Other names: c.16A>C, p.Ile6Leu (NM_001014431.2, NM_001014432.2, NM_001382431.1 and 3 more transcripts); short protein forms I6L.
Identifiers: ClinVar variation 4538848 (VCV004538848.1).

ClinVar aggregate classification (germline): Uncertain significance (1 of 4 stars; one submission).

Submission:

GeneDx
Classification: Uncertain significance. Last evaluated: 2025-06-20. Review status: criteria provided, single submitter. Criteria: GeneDx Variant Classification Process June 2021. Collection method: clinical testing. Allele origin: germline. Affected: yes.
Comment: Not observed at significant frequency in large population cohorts (gnomAD); In silico analysis suggests that this missense variant does not alter protein structure/function; Has not been previously published as pathogenic or benign to our knowledge